The following is an entry in ClinVar:

NM_006516.4(SLC2A1):c.657C>T (p.Asn219=)

Gene: SLC2A1 (solute carrier family 2 member 1; minus strand). Cytogenetic location: 1p34.2.
Variant type: single nucleotide variant.
Coding change: c.657C>T on transcript NM_006516.4 (MANE Select); coding-DNA position 657, C replaced by T.
Protein change: p.Asn219=; no amino-acid change (asparagine 219 retained).
Molecular consequence: synonymous variant.
Genome position (GRCh38, 1-based): chr1:42,929,895, G>A on the plus strand (C>T on the coding strand, the complement: SLC2A1 is on the minus strand). VCF-style: chr1-42929895-G-A. GRCh37 (hg19) VCF-style: chr1-43395566-G-A.
Identifiers: ClinVar variation 515240 (VCV000515240.35), dbSNP rs534113895, ClinGen allele CA803485.

ClinVar aggregate classification (germline): Benign/Likely benign. Review status: criteria provided, multiple submitters, no conflicts (2 of 4 stars). 12 submissions from 7 submitters: Benign (2); Likely benign (9). 1 of the submissions does not count toward it. Last evaluated 2026-02-02.

Conditions:
Inborn genetic diseases. Identifiers: MedGen C0950123, MeSH D030342.
Dystonia 9 (DYT9). Also called: CHOREOATHETOSIS, KINESIGENIC, WITH EPISODIC ATAXIA AND SPASTICITY. Identifiers: Orphanet 53583, MedGen C1832855, MONDO:0010983, OMIM 601042.
Hereditary cryohydrocytosis with reduced stomatin. Also called: Stomatin-deficient cryohydrocytosis with neurologic defects; GLUT1 DEFICIENCY SYNDROME WITH PSEUDOHYPERKALEMIA AND HEMOLYSIS. Identifiers: Orphanet 168577, MedGen C1837206, MONDO:0012143, OMIM 608885.
SLC2A1-related disorder. Also called: SLC2A1-related condition; SLC2A1-related disorders.
Childhood onset GLUT1 deficiency syndrome 2. Also called: Paroxysmal exercise-induced dystonia; GLUT1 deficiency syndrome 2; PxMD-SLC2A1; Exertion-induced paroxysmal dyskinesia; PAROXYSMAL EXERCISE-INDUCED DYSKINESIA WITH OR WITHOUT EPILEPSY AND/OR HEMOLYTIC ANEMIA; PAROXYSMAL EXERTION-INDUCED DYSTONIA WITH OR WITHOUT EPILEPSY AND/OR HEMOLYTIC ANEMIA. Identifiers: Orphanet 98811, MedGen C1842534, MONDO:0012805, OMIM 612126.
Epilepsy, idiopathic generalized, susceptibility to, 12 (EIG12). Identifiers: MedGen C3553859, MONDO:0013919, OMIM 614847.
Encephalopathy due to GLUT1 deficiency. Also called: De Vivo disease; GLUT1 deficiency syndrome 1; GLUT1 deficiency syndrome 1, infantile onset, severe; Classic Glucose Transporter Type 1 Deficiency Syndrome; GLUCOSE TRANSPORT DEFECT, BLOOD-BRAIN BARRIER; Glucose transporter protein syndrome. Identifiers: Orphanet 71277, MedGen C4551966, MONDO:0011724, OMIM 606777.
GLUT1 deficiency syndrome 1, autosomal recessive. Identifiers: MedGen C3149117.

Allele frequency attached by ClinVar (database versions not stated): 1000 Genomes Project 0.00020; gnomAD 0.00001; TOPMed 0.00001; gnomAD exomes 0.00002 and 0.00004; ExAC 0.00003; 1000 Genomes Project 30x 0.00016.
gnomAD v4.1: 24 of 1,614,184 alleles (0.0015%); highest among the groups gnomAD compares: Admixed American, 0.022%; no homozygotes.

Submissions (12):

Labcorp Genetics (formerly Invitae), Labcorp
Classification: Likely benign for GLUT1 deficiency syndrome 1, autosomal recessive. Last evaluated: 2026-02-02. Review status: criteria provided, single submitter. Criteria: Invitae Variant Classification Sherloc (09022015). Collection method: clinical testing. Allele origin: germline.

CeGaT Center for Human Genetics Tuebingen
Classification: Likely benign. Last evaluated: 2025-05-01. Review status: criteria provided, single submitter. Criteria: CeGaT Center For Human Genetics Tuebingen Variant Classification Criteria Version 2. Collection method: clinical testing. Allele origin: germline. Affected: yes. Observed: 1 variant allele.
Comment: SLC2A1: BP4, BP7

Genome-Nilou Lab
Classification: Likely benign for Epilepsy, idiopathic generalized, susceptibility to, 12. Last evaluated: 2023-04-11. Review status: criteria provided, single submitter. Criteria: ACMG Guidelines, 2015. Collection method: clinical testing. Allele origin: germline. Affected: no.

Genome-Nilou Lab
Classification: Likely benign for Dystonia 9. Last evaluated: 2023-04-11. Review status: criteria provided, single submitter. Criteria: ACMG Guidelines, 2015. Collection method: clinical testing. Allele origin: germline. Affected: no.

Genome-Nilou Lab
Classification: Likely benign for Encephalopathy due to GLUT1 deficiency. Last evaluated: 2023-04-11. Review status: criteria provided, single submitter. Criteria: ACMG Guidelines, 2015. Collection method: clinical testing. Allele origin: germline. Affected: no.

Genome-Nilou Lab
Classification: Likely benign for Childhood onset GLUT1 deficiency syndrome 2. Last evaluated: 2023-04-11. Review status: criteria provided, single submitter. Criteria: ACMG Guidelines, 2015. Collection method: clinical testing. Allele origin: germline. Affected: no.

Genome-Nilou Lab
Classification: Likely benign for Hereditary cryohydrocytosis with reduced stomatin. Last evaluated: 2023-04-11. Review status: criteria provided, single submitter. Criteria: ACMG Guidelines, 2015. Collection method: clinical testing. Allele origin: germline. Affected: no.

GeneDx
Classification: Likely benign. Last evaluated: 2020-08-28. Review status: criteria provided, single submitter. Criteria: GeneDx Variant Classification Process June 2021. Collection method: clinical testing. Allele origin: germline. Affected: yes.

Illumina Laboratory Services, Illumina
Classification: Benign for Encephalopathy due to GLUT1 deficiency. Last evaluated: 2018-01-13. Review status: criteria provided, single submitter. Criteria: ICSL Variant Classification Criteria 13 December 2019. Collection method: clinical testing. Allele origin: germline.
Comment: This variant was observed in the ICSL laboratory as part of a predisposition screen in an ostensibly healthy population. It had not been previously curated by ICSL or reported in the Human Gene Mutation Database (HGMD: prior to June 1st, 2018), and was therefore a candidate for classification through an automated scoring system. Utilizing variant allele frequency, disease prevalence and penetrance estimates, and inheritance mode, an automated score was calculated to assess if this variant is too frequent to cause the disease. Based on the score and internal cut-off values, a variant classified as benign is not then subjected to further curation. The score for this variant resulted in a classification of benign for this disease.

Illumina Laboratory Services, Illumina
Classification: Benign for Dystonia 9. Last evaluated: 2018-01-13. Review status: criteria provided, single submitter. Criteria: ICSL Variant Classification Criteria 13 December 2019. Collection method: clinical testing. Allele origin: germline.
Comment: the same text as in the submission from Illumina Laboratory Services, Illumina above.

Ambry Genetics
Classification: Likely benign for Inborn genetic diseases. Last evaluated: 2016-09-07. Review status: criteria provided, single submitter. Criteria: Ambry Variant Classification Scheme 2023. Collection method: clinical testing. Allele origin: germline.

PreventionGenetics, part of Exact Sciences
Classification: Likely benign for SLC2A1-related condition. Last evaluated: 2019-07-23. Review status: no assertion criteria provided. Collection method: clinical testing. Allele origin: germline. Not counted in ClinVar's aggregate classification.
Comment: This variant is classified as likely benign based on ACMG/AMP sequence variant interpretation guidelines (Richards et al. 2015 PMID: 25741868, with internal and published modifications).